The following is an entry in ClinVar:

NM_017780.4(CHD7):c.8713C>A (p.Pro2905Thr)

Gene: CHD7 (chromodomain helicase DNA binding protein 7; plus strand). Cytogenetic location: 8q12.2.
Variant type: single nucleotide variant.
Coding change: c.8713C>A on transcript NM_017780.4 (MANE Select); coding-DNA position 8713, C replaced by A.
Protein change: p.Pro2905Thr; replaces proline 2905 with threonine.
Molecular consequence: missense variant.
Genome position (GRCh38, 1-based): chr8:60,865,652, C>A. VCF-style: chr8-60865652-C-A. GRCh37 (hg19) VCF-style: chr8-61778211-C-A.
Other names: c.2566C>A, p.Pro856Thr (NM_001316690.1); short protein forms P2905T, P856T.
Identifiers: ClinVar variation 1302743 (VCV001302743.2), dbSNP rs2129768643, ClinGen allele CA371311159.

ClinVar aggregate classification (germline): Uncertain significance (1 of 4 stars; one submission).

gnomAD v4.1: 1 of 1,609,466 alleles (0.000062%); no homozygotes.

Submission:

GeneDx
Classification: Uncertain significance. Last evaluated: 2019-03-30. Review status: criteria provided, single submitter. Criteria: GeneDx Variant Classification Process June 2021. Collection method: clinical testing. Allele origin: germline. Affected: yes.
Comment: Not observed in large population cohorts (Lek et al., 2016); In silico analysis, which includes protein predictors and evolutionary conservation, supports a deleterious effect; Has not been previously published as pathogenic or benign to our knowledge